The following is an entry in ClinVar:

NM_005055.5(RAPSN):c.291C>A (p.Cys97Ter)

Gene: RAPSN (receptor associated protein of the synapse; minus strand). Cytogenetic location: 11p11.2.
Variant type: single nucleotide variant.
Coding change: c.291C>A on transcript NM_005055.5 (MANE Select); coding-DNA position 291, C replaced by A.
Protein change: p.Cys97Ter; replaces cysteine 97 with a stop codon.
Molecular consequence: nonsense.
Genome position (GRCh38, 1-based): chr11:47,448,052, G>T on the plus strand (C>A on the coding strand, the complement: RAPSN is on the minus strand). VCF-style: chr11-47448052-G-T. GRCh37 (hg19) VCF-style: chr11-47469604-G-T.
Other names: c.291C>A, p.Cys97Ter (NM_032645.5); short protein forms C97*.
Identifiers: ClinVar variation 1073877 (VCV001073877.17), dbSNP rs749287203, ClinGen allele CA221722215.
Genomic context (GRCh38, chr11:47,448,052, plus strand): 5'-TGCCCTGGTACCAGGCAGCCCAAGGCAGGTCTTGCAGTAGGAGATGGTCTTGTGAAACTC[G>T]CACAGCTTCTCGTTGCTGCGTGCCAGGTTCAGGTAGCTCTCCAGGAGGAAGTCGGCATCC-3'

ClinVar aggregate classification (germline): Pathogenic. Review status: criteria provided, multiple submitters, no conflicts (2 of 4 stars). 6 submissions from 6 submitters: Pathogenic (6). Last evaluated 2025-06-23.

Conditions:
Congenital myasthenic syndrome 11. Also called: MYASTHENIC SYNDROME, CONGENITAL, Ie; Myasthenic syndrome, congenital, 11, associated with acetylcholine receptor deficiency. Identifiers: Orphanet 590, MedGen C4225367, MONDO:0014588, OMIM 616326.
Fetal akinesia deformation sequence 2. Identifiers: MedGen C4760576, MONDO:0100102, OMIM 618388.
Congenital myasthenic syndrome (CMS). Also called: Congenital Myasthenic Syndromes. Identifiers: Orphanet 590, MedGen C0751882, MeSH D020294, MONDO:0018940.
Fetal akinesia deformation sequence 1 (FADS1). Also called: Pena-Shokeir syndrome type I; Fetal akinesia sequence. Identifiers: Orphanet 994, MedGen C1276035, MONDO:0100101, OMIM 208150, HP:0001989.
RAPSN-related disorder. Also called: RAPSN-related disorders; RAPSN-related condition. Identifiers: MedGen CN239397.

Submissions (6):

Natera, Inc.
Classification: Pathogenic for Congenital myasthenic syndrome. Last evaluated: 2025-06-23. Review status: criteria provided, single submitter. Criteria: Natera Variant Classification Schema (03/2026). Collection method: clinical testing. Allele origin: germline.
Comment: The c.291C>A variant in RAPSN is a nonsense variant predicted to introduce a stop codon at amino acid 97. This variant is expected to result in nonsense mediated decay, truncation, or a dysfunctional protein product. This variant is rare in the general population with a frequency below the threshold expected for the associated phenotype(s). This variant has been observed in one or more individuals affected with the associated recessive disease, as either homozygous or compound heterozygous with a second variant (PMID: 14729848). Given the available evidence, this variant is classified as Pathogenic.

GeneDx
Classification: Pathogenic. Last evaluated: 2024-06-13. Review status: criteria provided, single submitter. Criteria: GeneDx Variant Classification Process June 2021. Collection method: clinical testing. Allele origin: germline. Affected: yes.
Comment: Observed with the founder pathogenic p.(N88K) variant on the opposite allele (in trans) in association with features of RAPSN-related myasthenia in published literature (PMID: 19620612, 14729848); Nonsense variant predicted to result in protein truncation or nonsense mediated decay in a gene for which loss of function is a known mechanism of disease; Not observed at significant frequency in large population cohorts (gnomAD); This variant is associated with the following publications: (PMID: 17686188, 38511267, 36815443, 19620612, 14729848)

Fulgent Genetics
Classification: Pathogenic for Congenital myasthenic syndrome 11; Fetal akinesia deformation sequence 2. Last evaluated: 2024-05-23. Review status: criteria provided, single submitter. Criteria: ACMG Guidelines, 2015. Collection method: clinical testing. Allele origin: germline.

Myriad Genetics, Inc.
Classification: Pathogenic for RAPSN-related disorder. Last evaluated: 2024-05-14. Review status: criteria provided, single submitter. Criteria: Myriad Autosomal Dominant, Autosomal Recessive and X-Linked Classification Criteria (2023). Collection method: clinical testing. Allele origin: unknown.
Comment: NM_005055.4(RAPSN):c.291C>A(C97*) is expected to be pathogenic in the context of RAPSN-related disorders. This variant is predicted to lead to an abnormal or absent protein product due to the creation of a premature termination codon in RAPSN, a gene where loss-of-function variants are known to be pathogenic. Please note: this variant was assessed in the context of healthy population screening.

Labcorp Genetics (formerly Invitae), Labcorp
Classification: Pathogenic for Congenital myasthenic syndrome 11; Fetal akinesia deformation sequence 1. Last evaluated: 2023-02-27. Review status: criteria provided, single submitter. Criteria: Invitae Variant Classification Sherloc (09022015). Collection method: clinical testing. Allele origin: germline.
Comment: For these reasons, this variant has been classified as Pathogenic. ClinVar contains an entry for this variant (Variation ID: 1073877). This premature translational stop signal has been observed in individual(s) with clinical features of congenital myasthenic syndrome (PMID: 14729848). This variant is not present in population databases (gnomAD no frequency). This sequence change creates a premature translational stop signal (p.Cys97*) in the RAPSN gene. It is expected to result in an absent or disrupted protein product. Loss-of-function variants in RAPSN are known to be pathogenic (PMID: 17686188).

Revvity Omics, Revvity
Classification: Pathogenic. Last evaluated: 2019-08-20. Review status: criteria provided, single submitter. Criteria: ACMG Guidelines, 2015. Collection method: clinical testing. Allele origin: germline.

Literature cited by the submitters: PubMed 14729848 (cited by Natera, Inc. and Labcorp Genetics (formerly Invitae), Labcorp); PubMed 17686188 (cited by Labcorp Genetics (formerly Invitae), Labcorp).